The following is an entry in ClinVar:

ClinVar aggregate classification (germline): Uncertain significance. Review status: criteria provided, multiple submitters, no conflicts (2 of 4 stars). 2 submissions from 2 submitters: Uncertain significance (2). Last evaluated 2024-10-14.

Conditions:
CRB2-related disorder. Also called: CRB2-related disorders; CRB2-related condition.

Allele frequency attached by ClinVar (database versions not stated): gnomAD 0.00003.
gnomAD v4.1: 11 of 1,605,864 alleles (0.00068%); highest among the groups gnomAD compares: Admixed American, 0.0067%; 1 homozygote.

Submissions (2):

Blueprint Genetics
Classification: Uncertain significance. Last evaluated: 2024-10-14. Review status: criteria provided, single submitter. Criteria: ACMG Guidelines, 2015. Collection method: clinical testing. Allele origin: germline.

PreventionGenetics, part of Exact Sciences
Classification: Uncertain significance for CRB2-related condition. Last evaluated: 2023-08-22. Review status: criteria provided, single submitter. Criteria: ACMG Guidelines, 2015. Collection method: clinical testing. Allele origin: germline.
Comment: The CRB2 c.1781A>G variant is predicted to result in the amino acid substitution p.Asp594Gly. To our knowledge, this variant has not been reported in the literature or in a large population database, indicating this variant is rare. At this time, the clinical significance of this variant is uncertain due to the absence of conclusive functional and genetic evidence.

NM_173689.7(CRB2):c.1781A>G (p.Asp594Gly)

Gene: CRB2 (crumbs cell polarity complex component 2; plus strand). Cytogenetic location: 9q33.3.
Variant type: single nucleotide variant.
Coding change: c.1781A>G on transcript NM_173689.7 (MANE Select); coding-DNA position 1781, A replaced by G.
Protein change: p.Asp594Gly; replaces aspartic acid 594 with glycine.
Molecular consequence: missense variant. On other transcripts: non-coding transcript variant (1).
Genome position (GRCh38, 1-based): chr9:123,370,834, A>G. VCF-style: chr9-123370834-A-G. GRCh37 (hg19) VCF-style: chr9-126133113-A-G.
Other names: short protein forms D594G.
Identifiers: ClinVar variation 2636853 (VCV002636853.2), dbSNP rs752849694, ClinGen allele CA199637048.